The following is an entry in ClinVar:

ClinVar aggregate classification (germline): Uncertain significance. Review status: criteria provided, multiple submitters, no conflicts (2 of 4 stars). 2 submissions from 2 submitters: Uncertain significance (2). Last evaluated 2025-10-29.

Allele frequency attached by ClinVar (database versions not stated): ExAC 0.00003; TOPMed 0.00003; gnomAD exomes 0.00004 and 0.00005; gnomAD 0.00005.
gnomAD v4.1: 85 of 1,613,722 alleles (0.0053%); highest among the groups gnomAD compares: Non-Finnish European, 0.0064%; no homozygotes.

Submissions (2):

Labcorp Genetics (formerly Invitae), Labcorp
Classification: Uncertain significance. Last evaluated: 2025-10-29. Review status: criteria provided, single submitter. Criteria: Invitae Variant Classification Sherloc (09022015). Collection method: clinical testing. Allele origin: germline.
Comment: This sequence change replaces proline, which is neutral and non-polar, with alanine, which is neutral and non-polar, at codon 359 of the COL4A3 protein (p.Pro359Ala). This variant is present in population databases (rs757538073, gnomAD 0.009%). This variant has not been reported in the literature in individuals affected with COL4A3-related conditions. ClinVar contains an entry for this variant (Variation ID: 1304280). Invitae Evidence Modeling of protein sequence and biophysical properties (such as structural, functional, and spatial information, amino acid conservation, physicochemical variation, residue mobility, and thermodynamic stability) has been performed for this missense variant. However, the output from this modeling did not meet the statistical confidence thresholds required to predict the impact of this variant on COL4A3 protein function. In summary, the available evidence is currently insufficient to determine the role of this variant in disease. Therefore, it has been classified as a Variant of Uncertain Significance.

GeneDx
Classification: Uncertain significance. Last evaluated: 2020-06-30. Review status: criteria provided, single submitter. Criteria: GeneDx Variant Classification Process June 2021. Collection method: clinical testing. Allele origin: germline. Affected: yes.
Comment: In silico analysis supports that this missense variant has a deleterious effect on protein structure/function; Occurs in the triple helical domain at the Y position in the canonical Gly-X-Y repeat; although this variant may have an effect on normal protein folding and function, missense substitution at the Y position is not a common mechanism of disease; Has not been previously published as pathogenic or benign to our knowledge

NM_000091.5(COL4A3):c.1075C>G (p.Pro359Ala)

Genes: COL4A3 (collagen type IV alpha 3 chain; plus strand), MFF-DT (MFF divergent transcript; minus strand). Cytogenetic location: 2q36.3.
Variant type: single nucleotide variant.
Coding change: c.1075C>G on transcript NM_000091.5 (MANE Select); coding-DNA position 1075, C replaced by G.
Protein change: p.Pro359Ala; replaces proline 359 with alanine.
Molecular consequence: missense variant.
Genome position (GRCh38, 1-based): chr2:227,259,838, C>G. VCF-style: chr2-227259838-C-G. GRCh37 (hg19) VCF-style: chr2-228124554-C-G.
Other names: short protein forms P359A.
Identifiers: ClinVar variation 1304280 (VCV001304280.4), dbSNP rs757538073, ClinGen allele CA2146515.